The following is an entry in ClinVar:

NM_002087.4(GRN):c.264+21G>A

Gene: GRN (granulin precursor; plus strand). Cytogenetic location: 17q21.31.
Variant type: single nucleotide variant.
Coding change: c.264+21G>A on transcript NM_002087.4 (MANE Select); 21 bases into the intron after coding-DNA position 264, G replaced by A.
Molecular consequence: intron variant.
Genome position (GRCh38, 1-based): chr17:44,349,572, G>A. VCF-style: chr17-44349572-G-A. GRCh37 (hg19) VCF-style: chr17-42426940-G-A.
Identifiers: ClinVar variation 558916 (VCV000558916.9), dbSNP rs9897526, ClinGen allele CA8601801.
Genomic context (GRCh38, chr17:44,349,572, plus strand): 5'-TACCGTCTCAGGGACTTCCAGTTGCTGCCCCTTCCCAGAGGTGAGCGTGCCATCAGCCCA[G>A]TGGAGGGGCTTAGGTCTGCATTTATGCTTTTCCTGCACTCTACCACCTGCAGATAAAAGG-3'

ClinVar aggregate classification (germline): Benign. Review status: criteria provided, multiple submitters, no conflicts (2 of 4 stars). 5 submissions from 4 submitters: Benign (4). 1 of the submissions does not count toward it. Last evaluated 2021-08-10.

Conditions:
GRN-related frontotemporal lobar degeneration with Tdp43 inclusions (FTD2). Also called: FRONTOTEMPORAL DEMENTIA WITH TDP43 INCLUSIONS, GRN-RELATED; FRONTOTEMPORAL LOBAR DEGENERATION WITH UBIQUITIN-POSITIVE INCLUSIONS; FTLD-TDP, GRN-RELATED; GRN Frontotemporal Dementia; DEMENTIA, HEREDITARY DYSPHASIC DISINHIBITION. Identifiers: Orphanet 100070, Orphanet 282, MedGen C1843792, MONDO:0011842, OMIM 607485. Disease mechanism: loss of function.
Neuronal ceroid lipofuscinosis 11. Also called: GRN-Related Neuronal Ceroid-Lipofuscinosis. Identifiers: Orphanet 314629, Orphanet 79262, MedGen C3539123, MONDO:0013866, OMIM 614706.

Allele frequency attached by ClinVar (database versions not stated): gnomAD exomes 0.12959 and 0.15923; ExAC 0.16723; gnomAD 0.19972 and 0.20089; TOPMed 0.20349; ESP Exome Variant Server 0.20552; 1000 Genomes Project 30x 0.24235; 1000 Genomes Project 0.24281.
gnomAD v4.1: 221,335 of 1,613,786 alleles (14%); highest among the groups gnomAD compares: African/African-American, 40%; 19,862 homozygotes.

Submissions (5):

Genome-Nilou Lab
Classification: Benign for GRN-related frontotemporal lobar degeneration with Tdp43 inclusions. Last evaluated: 2021-08-10. Review status: criteria provided, single submitter. Criteria: ACMG Guidelines, 2015. Collection method: clinical testing. Allele origin: germline. Affected: no.

Genome-Nilou Lab
Classification: Benign for Neuronal ceroid lipofuscinosis 11. Last evaluated: 2021-08-10. Review status: criteria provided, single submitter. Criteria: ACMG Guidelines, 2015. Collection method: clinical testing. Allele origin: germline. Affected: no.

GeneDx
Classification: Benign. Last evaluated: 2018-06-19. Review status: criteria provided, single submitter. Criteria: GeneDx Variant Classification (06012015). Collection method: clinical testing. Allele origin: germline. Affected: yes.
Comment: This variant is considered likely benign or benign based on one or more of the following criteria: it is a conservative change, it occurs at a poorly conserved position in the protein, it is predicted to be benign by multiple in silico algorithms, and/or has population frequency not consistent with disease.

Breakthrough Genomics
Classification: Benign. Review status: criteria provided, single submitter. Criteria: ACMG Guidelines, 2015. Collection method: not provided. Allele origin: germline. Inheritance: Autosomal recessive inheritance. Affected: yes.

Mayo Clinic Laboratories, Mayo Clinic
Classification: Benign. Last evaluated: 2015-12-15. Review status: no assertion criteria provided. Collection method: clinical testing. Allele origin: unknown. Not counted in ClinVar's aggregate classification.